The following is an entry in ClinVar:

NM_003803.4(MYOM1):c.1049A>C (p.Tyr350Ser)

Gene: MYOM1 (myomesin 1; minus strand). Cytogenetic location: 18p11.31.
Variant type: single nucleotide variant.
Coding change: c.1049A>C on transcript NM_003803.4 (MANE Select); coding-DNA position 1049, A replaced by C.
Protein change: p.Tyr350Ser; replaces tyrosine 350 with serine.
Molecular consequence: missense variant.
Genome position (GRCh38, 1-based): chr18:3,174,182, T>G on the plus strand (A>C on the coding strand, the complement: MYOM1 is on the minus strand). VCF-style: chr18-3174182-T-G. GRCh37 (hg19) VCF-style: chr18-3174180-T-G.
Other names: c.1049A>C, p.Tyr350Ser (NM_019856.2); short protein forms Y350S.
Identifiers: ClinVar variation 1948606 (VCV001948606.5), dbSNP rs749615941, ClinGen allele CA8875077.

ClinVar aggregate classification (germline): Uncertain significance (1 of 4 stars; one submission).

Conditions:
Hypertrophic cardiomyopathy. Also called: HYPERTROPHIC MYOCARDIOPATHY. Identifiers: Orphanet 217569, MedGen C0007194, MeSH D002312, MONDO:0005045, HP:0001639.

Allele frequency attached by ClinVar (database versions not stated): gnomAD exomes below 0.00001; ExAC 0.00001.
gnomAD v4.1: 2 of 1,613,564 alleles (0.00012%); highest among the groups gnomAD compares: Non-Finnish European, 0.00017%; no homozygotes.

Submission:

Labcorp Genetics (formerly Invitae), Labcorp
Classification: Uncertain significance for Hypertrophic cardiomyopathy. Last evaluated: 2025-09-08. Review status: criteria provided, single submitter. Criteria: Invitae Variant Classification Sherloc (09022015). Collection method: clinical testing. Allele origin: germline.
Comment: This sequence change replaces tyrosine, which is neutral and polar, with serine, which is neutral and polar, at codon 350 of the MYOM1 protein (p.Tyr350Ser). This variant is present in population databases (rs749615941, gnomAD 0.0009%). This variant has not been reported in the literature in individuals affected with MYOM1-related conditions. ClinVar contains an entry for this variant (Variation ID: 1948606). Invitae Evidence Modeling of protein sequence and biophysical properties (such as structural, functional, and spatial information, amino acid conservation, physicochemical variation, residue mobility, and thermodynamic stability) indicates that this missense variant is not expected to disrupt MYOM1 protein function with a negative predictive value of 80%. In summary, the available evidence is currently insufficient to determine the role of this variant in disease. Therefore, it has been classified as a Variant of Uncertain Significance.